The following is an entry in ClinVar:

NM_005633.4(SOS1):c.1323T>C (p.Cys441=)

Gene: SOS1 (SOS Ras/Rac guanine nucleotide exchange factor 1; minus strand). Cytogenetic location: 2p22.1.
Variant type: single nucleotide variant.
Coding change: c.1323T>C on transcript NM_005633.4 (MANE Select); coding-DNA position 1323, T replaced by C.
Protein change: p.Cys441=; no amino-acid change (cysteine 441 retained).
Molecular consequence: synonymous variant.
Genome position (GRCh38, 1-based): chr2:39,023,105, A>G on the plus strand (T>C on the coding strand, the complement: SOS1 is on the minus strand). VCF-style: chr2-39023105-A-G. GRCh37 (hg19) VCF-style: chr2-39250246-A-G.
Other names: c.1302T>C, p.Cys434= (NM_001382394.1); c.1323T>C, p.Cys441= (NM_001382395.1).
Identifiers: ClinVar variation 4977148 (VCV004977148.1).

ClinVar aggregate classification (germline): Likely benign (1 of 4 stars; one submission).

Conditions:
SOS1-related disorder. Also called: SOS1-related condition.

Submission:

PreventionGenetics, part of Exact Sciences
Classification: Likely benign for SOS1-related condition. Last evaluated: 2025-09-08. Review status: criteria provided, single submitter. Criteria: ACMG Guidelines, 2015. Collection method: clinical testing. Allele origin: germline.
Comment: This variant is classified as likely benign based on ACMG/AMP sequence variant interpretation guidelines (Richards et al. 2015 PMID: 25741868, with internal and published modifications).